The following is an entry in ClinVar:

NM_016955.4(SEPSECS):c.896dup (p.Asn299fs)

Gene: SEPSECS (Sep (O-phosphoserine) tRNA:Sec (selenocysteine) tRNA synthase; minus strand). Cytogenetic location: 4p15.2.
Variant type: Duplication.
Coding change: c.896dup on transcript NM_016955.4 (MANE Select); coding-DNA position 896, one base duplicated (A; older notation c.896dupA).
Protein change: p.Asn299fs; shifts the reading frame from asparagine 299.
Molecular consequence: frameshift variant.
Genome position (GRCh38, 1-based): chr4:25,145,042, T duplicated on the plus strand (A on the coding strand, the reverse complement: SEPSECS is on the minus strand); the first of 2 consecutive T bases (chr4:25,145,042-25,145,043); duplicating either gives the same sequence. VCF-style (leftmost placement, unchanged base first): chr4-25145041-A-AT. GRCh37 (hg19) VCF-style: chr4-25146663-A-AT.
Other names: p.Asn299Leufs*2; p.N299Lfs*2; p.N299fs*2; c.1151dup, p.Asn384fs (NM_001410714.1); c.896_897insA (NM_016955.4); short protein forms N299fs, N384fs.
Identifiers: ClinVar variation 4884328 (VCV004884328.1).
Genomic context (GRCh38, chr4:25,145,041, plus strand): 5'-TGAAAAGCAACTTATTTATTTACCTGGATACATCTTGCTGATTTCCTGAATGAATGAATC[A>AT]TTAAAGCCAGCAATTATAGCACCACCTACTGGAACCATAAAATTTTTGTCCAAGCTCTGA-3'

ClinVar aggregate classification (germline): Likely pathogenic (1 of 4 stars; one submission).

Conditions:
Pontocerebellar hypoplasia type 2D (PCH2D). Also called: Progressive cerebello-cerebral atrophy. Identifiers: Orphanet 247198, Orphanet 2524, MedGen C3151140, MONDO:0013438, OMIM 613811.

Submission:

Clinical Genetics Laboratory, Universite de Sherbrooke
Classification: Likely pathogenic for Pontocerebellar hypoplasia type 2D. Last evaluated: 2025-08-01. Review status: criteria provided, single submitter. Criteria: ACMG Guidelines, 2015. Collection method: curation. Allele origin: germline. Affected: yes.
Comment: Reported in compound heterozygosity with SEPSECS c.194A>G; The clinical phenotype included global developmental delay, progressive microcephaly, hypotonia, elevated blood lactate, feeding difficulties, thinning of the splenium of the corpus callosum, and peripheral neurogenic changes. The variant was inherited maternally and classified as likely pathogenic in the original report using ACMG criteria PVS1 and PM2_Supporting (PMID:41070650).

Literature cited by the submitters: PubMed 41070650.